The following is an entry in ClinVar:

ClinVar aggregate classification (germline): Uncertain significance (1 of 4 stars; one submission).

Submission:

GeneDx
Classification: Uncertain significance. Last evaluated: 2025-01-03. Review status: criteria provided, single submitter. Criteria: GeneDx Variant Classification Process June 2021. Collection method: clinical testing. Allele origin: germline. Affected: yes.
Comment: Not observed at significant frequency in large population cohorts (gnomAD); In silico analysis supports that this missense variant has a deleterious effect on protein structure/function; Has not been previously published as pathogenic or benign to our knowledge

NM_032217.5(ANKRD17):c.2075A>T (p.His692Leu)

Gene: ANKRD17 (ankyrin repeat domain 17; minus strand). Cytogenetic location: 4q13.3.
Variant type: single nucleotide variant.
Coding change: c.2075A>T on transcript NM_032217.5 (MANE Select); coding-DNA position 2075, A replaced by T.
Protein change: p.His692Leu; replaces histidine 692 with leucine.
Molecular consequence: missense variant.
Genome position (GRCh38, 1-based): chr4:73,142,650, T>A on the plus strand (A>T on the coding strand, the complement: ANKRD17 is on the minus strand). VCF-style: chr4-73142650-T-A. GRCh37 (hg19) VCF-style: chr4-74008367-T-A.
Other names: c.1736A>T, p.His579Leu (NM_001286771.3); c.2075A>T, p.His692Leu (NM_015574.2, NM_198889.3); short protein forms H579L, H692L.
Identifiers: ClinVar variation 4055933 (VCV004055933.1).
Genomic context (GRCh38, chr4:73,142,650, plus strand): 5'-AAGAGAGAAATACTAATTCACAATTCTGCACAAACATTTGAGTTACATACTTTCAAACGG[T>A]GAGTAGGATCTGCCCCATGAGCCAAAAGTAGTTCCACCACTGCCAGATGACCCCCTGCAC-3'
Protein context (NP_115593.3, residues 682-702): LLLAHGADPT[His692Leu]RLKDGSTMLI